The following is an entry in ClinVar:

ClinVar aggregate classification (germline): Uncertain significance. Review status: criteria provided, multiple submitters, no conflicts (2 of 4 stars). 4 submissions from 4 submitters: Uncertain significance (4). Last evaluated 2025-01-23.

Conditions:
Brugada syndrome 8 (BRGDA8). Identifiers: Orphanet 130, MedGen C2751083, MONDO:0013148, OMIM 613123.
Sick sinus syndrome 2, autosomal dominant (SSS2). Also called: SICK SINUS SYNDROME 2; SICK SINUS SYNDROME 2 WITH OR WITHOUT CARDIAC NONCOMPACTION AND/OR ASCENDING AORTA DILATION; ATRIAL FIBRILLATION WITH BRADYARRHYTHMIA; SINUS BRADYCARDIA SYNDROME, FAMILIAL, AUTOSOMAL DOMINANT; SINUS NODE DISEASE, FAMILIAL, AUTOSOMAL DOMINANT. Identifiers: Orphanet 166282, MedGen C1834144, MONDO:0008102, OMIM 163800.
Epilepsy, idiopathic generalized, susceptibility to, 18. Identifiers: MedGen C5561983, MONDO:0030434, OMIM 619521.
Cardiovascular phenotype. Identifiers: MedGen CN230736.

Allele frequency attached by ClinVar (database versions not stated): gnomAD 0.00001 and 0.00002; TOPMed 0.00001; ExAC 0.00002; gnomAD exomes 0.00002.
gnomAD v4.1: 24 of 1,607,884 alleles (0.0015%); highest among the groups gnomAD compares: East Asian, 0.0089%; no homozygotes.

Submissions (4):

Labcorp Genetics (formerly Invitae), Labcorp
Classification: Uncertain significance for Brugada syndrome 8. Last evaluated: 2025-01-23. Review status: criteria provided, single submitter. Criteria: Invitae Variant Classification Sherloc (09022015). Collection method: clinical testing. Allele origin: germline.
Comment: This sequence change replaces threonine, which is neutral and polar, with methionine, which is neutral and non-polar, at codon 770 of the HCN4 protein (p.Thr770Met). The frequency data for this variant in the population databases is considered unreliable, as metrics indicate poor data quality at this position in the gnomAD database. This variant has not been reported in the literature in individuals affected with HCN4-related conditions. ClinVar contains an entry for this variant (Variation ID: 1063391). Invitae Evidence Modeling of protein sequence and biophysical properties (such as structural, functional, and spatial information, amino acid conservation, physicochemical variation, residue mobility, and thermodynamic stability) indicates that this missense variant is not expected to disrupt HCN4 protein function with a negative predictive value of 95%. In summary, the available evidence is currently insufficient to determine the role of this variant in disease. Therefore, it has been classified as a Variant of Uncertain Significance.

Ambry Genetics
Classification: Uncertain significance for Cardiovascular phenotype. Last evaluated: 2024-05-02. Review status: criteria provided, single submitter. Criteria: Ambry Variant Classification Scheme 2023. Collection method: clinical testing. Allele origin: germline.
Comment: The p.T770M variant (also known as c.2309C>T), located in coding exon 8 of the HCN4 gene, results from a C to T substitution at nucleotide position 2309. The threonine at codon 770 is replaced by methionine, an amino acid with similar properties. This amino acid position is conserved. In addition, this alteration is predicted to be tolerated by in silico analysis. Based on the available evidence, the clinical significance of this variant remains unclear.

Blueprint Genetics
Classification: Uncertain significance. Last evaluated: 2024-02-09. Review status: criteria provided, single submitter. Criteria: ACMG Guidelines, 2015. Collection method: clinical testing. Allele origin: germline.

Fulgent Genetics
Classification: Uncertain significance for Sick sinus syndrome 2, autosomal dominant; Brugada syndrome 8; Epilepsy, idiopathic generalized, susceptibility to, 18. Last evaluated: 2021-09-28. Review status: criteria provided, single submitter. Criteria: ACMG Guidelines, 2015. Collection method: clinical testing. Allele origin: unknown.

NM_005477.3(HCN4):c.2309C>T (p.Thr770Met)

Gene: HCN4 (hyperpolarization activated cyclic nucleotide gated potassium channel 4; minus strand). Cytogenetic location: 15q24.1.
Variant type: single nucleotide variant.
Coding change: c.2309C>T on transcript NM_005477.3 (MANE Select); coding-DNA position 2309, C replaced by T.
Protein change: p.Thr770Met; replaces threonine 770 with methionine.
Molecular consequence: missense variant.
Genome position (GRCh38, 1-based): chr15:73,323,784, G>A on the plus strand (C>T on the coding strand, the complement: HCN4 is on the minus strand). VCF-style: chr15-73323784-G-A. GRCh37 (hg19) VCF-style: chr15-73616125-G-A.
Other names: c.2309C>T (NM_005477.2); short protein forms T770M.
Identifiers: ClinVar variation 1063391 (VCV001063391.11), dbSNP rs763021264, ClinGen allele CA7649051.